The following is an entry in ClinVar:

ClinVar aggregate classification (germline): Uncertain significance (1 of 4 stars; one submission).

Conditions:
Cardiovascular phenotype. Identifiers: MedGen CN230736.

Submission:

Ambry Genetics
Classification: Uncertain significance for Cardiovascular phenotype. Last evaluated: 2026-09-11. Review status: criteria provided, single submitter. Criteria: Ambry Variant Classification Scheme 2023. Collection method: clinical testing. Allele origin: germline.
Comment: The p.T3512N variant (also known as c.10535C>A), located in coding exon 26 of the APOB gene, results from a C to A substitution at nucleotide position 10535. The threonine at codon 3512 is replaced by asparagine, an amino acid with similar properties. This amino acid position is conserved. In addition, this alteration is predicted to be tolerated by in silico analysis. Based on the available evidence, the clinical significance of this variant remains unclear.

NM_000384.3(APOB):c.10535C>A (p.Thr3512Asn)

Gene: APOB (apolipoprotein B; minus strand). Cytogenetic location: 2p24.1.
Variant type: single nucleotide variant.
Coding change: c.10535C>A on transcript NM_000384.3 (MANE Select); coding-DNA position 10535, C replaced by A.
Protein change: p.Thr3512Asn; replaces threonine 3512 with asparagine.
Molecular consequence: missense variant.
Genome position (GRCh38, 1-based): chr2:21,006,333, G>T on the plus strand (C>A on the coding strand, the complement: APOB is on the minus strand). VCF-style: chr2-21006333-G-T. GRCh37 (hg19) VCF-style: chr2-21229205-G-T.
Other names: short protein forms T3512N.
Identifiers: ClinVar variation 4862926 (VCV004862926.2).